The following is an entry in ClinVar:

ClinVar aggregate classification (germline): Uncertain significance (1 of 4 stars; one submission).

Conditions:
Familial cancer of breast. Also called: hereditary breast carcinoma; BREAST CANCER, FAMILIAL; Hereditary breast cancer. Identifiers: Orphanet 227535, MedGen C0346153, MONDO:0016419, OMIM 114480. Disease mechanism: loss of function.

Submission:

Labcorp Genetics (formerly Invitae), Labcorp
Classification: Uncertain significance for Familial cancer of breast. Last evaluated: 2018-08-15. Review status: criteria provided, single submitter. Criteria: Invitae Variant Classification Sherloc (09022015). Collection method: clinical testing. Allele origin: germline.
Comment: This sequence change replaces alanine with aspartic acid at codon 761 of the PALB2 protein (p.Ala761Asp). The alanine residue is weakly conserved and there is a moderate physicochemical difference between alanine and aspartic acid. This variant is not present in population databases (ExAC no frequency). This variant has not been reported in the literature in individuals with PALB2-related disease. Algorithms developed to predict the effect of missense changes on protein structure and function (SIFT, PolyPhen-2, Align-GVGD) all suggest that this variant is likely to be tolerated, but these predictions have not been confirmed by published functional studies and their clinical significance is uncertain. In summary, the available evidence is currently insufficient to determine the role of this variant in disease. Therefore, it has been classified as a Variant of Uncertain Significance.

NM_024675.4(PALB2):c.2282C>A (p.Ala761Asp)

Gene: PALB2 (partner and localizer of BRCA2; minus strand). Cytogenetic location: 16p12.2.
Variant type: single nucleotide variant.
Coding change: c.2282C>A on transcript NM_024675.4 (MANE Select); coding-DNA position 2282, C replaced by A.
Protein change: p.Ala761Asp; replaces alanine 761 with aspartic acid.
Molecular consequence: missense variant.
Genome position (GRCh38, 1-based): chr16:23,629,872, G>T on the plus strand (C>A on the coding strand, the complement: PALB2 is on the minus strand). VCF-style: chr16-23629872-G-T. GRCh37 (hg19) VCF-style: chr16-23641193-G-T.
Other names: short protein forms A761D.
Identifiers: ClinVar variation 651916 (VCV000651916.9), dbSNP rs878855108, ClinGen allele CA395125348.